The following is an entry in ClinVar:

ClinVar aggregate classification (germline): Conflicting classifications of pathogenicity. Review status: criteria provided, conflicting classifications (1 of 4 stars). 3 submissions from 3 submitters: Uncertain significance (1); Likely benign (2). Last evaluated 2025-12-21.

Conditions:
Iodotyrosyl coupling defect (TDH3). Also called: HYPOTHYROIDISM, CONGENITAL, DUE TO DYSHORMONOGENESIS, 3; THYROID HORMONOGENESIS, GENETIC DEFECT IN, 3. Identifiers: Orphanet 95716, MedGen C0342194, MONDO:0010135, OMIM 274700.

Allele frequency attached by ClinVar (database versions not stated): TOPMed 0.00017; gnomAD 0.00019; ExAC 0.00029; gnomAD exomes 0.00031; ESP Exome Variant Server 0.00038.
gnomAD v4.1: 244 of 1,614,072 alleles (0.015%); highest among the groups gnomAD compares: Middle Eastern, 0.016%; no homozygotes.

Submissions (3):

Labcorp Genetics (formerly Invitae), Labcorp
Classification: Likely benign. Last evaluated: 2025-12-21. Review status: criteria provided, single submitter. Criteria: Invitae Variant Classification Sherloc (09022015). Collection method: clinical testing. Allele origin: germline.

CeGaT Center for Human Genetics Tuebingen
Classification: Likely benign. Last evaluated: 2023-06-01. Review status: criteria provided, single submitter. Criteria: CeGaT Center For Human Genetics Tuebingen Variant Classification Criteria Version 2. Collection method: clinical testing. Allele origin: germline. Affected: yes. Observed: 1 variant allele.
Comment: TG: BP4

Illumina Laboratory Services, Illumina
Classification: Uncertain significance for Iodotyrosyl coupling defect. Last evaluated: 2018-01-13. Review status: criteria provided, single submitter. Criteria: ICSL Variant Classification Criteria 13 December 2019. Collection method: clinical testing. Allele origin: germline.

NM_003235.5(TG):c.1389C>T (p.Asn463=)

Gene: TG (thyroglobulin; plus strand). Cytogenetic location: 8q24.22.
Variant type: single nucleotide variant.
Coding change: c.1389C>T on transcript NM_003235.5 (MANE Select); coding-DNA position 1389, C replaced by T.
Protein change: p.Asn463=; no amino-acid change (asparagine 463 retained).
Molecular consequence: synonymous variant.
Genome position (GRCh38, 1-based): chr8:132,886,761, C>T. VCF-style: chr8-132886761-C-T. GRCh37 (hg19) VCF-style: chr8-133899006-C-T.
Identifiers: ClinVar variation 741224 (VCV000741224.34), dbSNP rs145681459, ClinGen allele CA4883179.